The following is an entry in ClinVar:

NM_004526.4(MCM2):c.1092C>G (p.Asn364Lys)

Gene: MCM2 (minichromosome maintenance complex component 2; plus strand). Cytogenetic location: 3q21.3.
Variant type: single nucleotide variant.
Coding change: c.1092C>G on transcript NM_004526.4 (MANE Select); coding-DNA position 1092, C replaced by G.
Protein change: p.Asn364Lys; replaces asparagine 364 with lysine.
Molecular consequence: missense variant. On other transcripts: non-coding transcript variant (1).
Genome position (GRCh38, 1-based): chr3:127,606,808, C>G. VCF-style: chr3-127606808-C-G. GRCh37 (hg19) VCF-style: chr3-127325651-C-G.
Other names: short protein forms N364K.
Identifiers: ClinVar variation 682256 (VCV000682256.5), dbSNP rs200752349, ClinGen allele CA2595779.

ClinVar aggregate classification (germline): Conflicting classifications of pathogenicity. Review status: criteria provided, conflicting classifications (1 of 4 stars). 2 submissions from 2 submitters: Uncertain significance (1); Likely benign (1). Last evaluated 2023-05-19.

Allele frequency attached by ClinVar (database versions not stated): gnomAD exomes below 0.00001 and 0.00001; ExAC 0.00001; gnomAD 0.00001; TOPMed 0.00002; 1000 Genomes Project 30x 0.00016; 1000 Genomes Project 0.00020.
gnomAD v4.1: 7 of 1,614,188 alleles (0.00043%); highest among the groups gnomAD compares: East Asian, 0.0089%; no homozygotes.

Submissions (2):

Labcorp Genetics (formerly Invitae), Labcorp
Classification: Uncertain significance. Last evaluated: 2023-05-19. Review status: criteria provided, single submitter. Criteria: Invitae Variant Classification Sherloc (09022015). Collection method: clinical testing. Allele origin: germline.
Comment: This variant is present in population databases (rs200752349, gnomAD 0.006%). In summary, the available evidence is currently insufficient to determine the role of this variant in disease. Therefore, it has been classified as a Variant of Uncertain Significance. Advanced modeling of protein sequence and biophysical properties (such as structural, functional, and spatial information, amino acid conservation, physicochemical variation, residue mobility, and thermodynamic stability) performed at Invitae indicates that this missense variant is expected to disrupt MCM2 protein function. ClinVar contains an entry for this variant (Variation ID: 682256). This variant has not been reported in the literature in individuals affected with MCM2-related conditions. This sequence change replaces asparagine, which is neutral and polar, with lysine, which is basic and polar, at codon 364 of the MCM2 protein (p.Asn364Lys).

GeneDx
Classification: Likely benign. Last evaluated: 2019-12-17. Review status: criteria provided, single submitter. Criteria: GeneDx Variant Classification Process June 2021. Collection method: clinical testing. Allele origin: germline. Affected: yes.